The following is an entry in ClinVar:

NM_001267727.2(ARSG):c.982+2T>G

Gene: ARSG (arylsulfatase G; plus strand). Cytogenetic location: 17q24.2.
Variant type: single nucleotide variant.
Coding change: c.982+2T>G on transcript NM_001267727.2 (MANE Select); the canonical splice donor site of the intron after coding-DNA position 982, T replaced by G.
Molecular consequence: splice donor variant.
Genome position (GRCh38, 1-based): chr17:68,370,526, T>G. VCF-style: chr17-68370526-T-G. GRCh37 (hg19) VCF-style: chr17-66366667-T-G.
Other names: c.979+2T>G (NM_001352904.2, NM_001352903.2, NM_001352905.2 and 2 more transcripts); c.982+2T>G (NM_014960.5, NM_001352910.2, NM_001352899.2 and 3 more transcripts); c.934+2T>G (NM_001352909.2).
Identifiers: ClinVar variation 936776 (VCV000936776.9), dbSNP rs1351562877, ClinGen allele CA400746926.

ClinVar aggregate classification (germline): Likely pathogenic. Review status: criteria provided, multiple submitters, no conflicts (2 of 4 stars). 2 submissions from 2 submitters: Likely pathogenic (2). Last evaluated 2024-07-04.

Conditions:
ARSG-related disorder. Also called: ARSG-related condition.

Allele frequency attached by ClinVar (database versions not stated): gnomAD exomes below 0.00001 and 0.00001.
gnomAD v4.1: 4 of 1,613,628 alleles (0.00025%); highest among the groups gnomAD compares: Non-Finnish European, 0.00034%; no homozygotes.

Submissions (2):

Blueprint Genetics
Classification: Likely pathogenic for ARSG-related disorders. Last evaluated: 2024-07-04. Review status: criteria provided, single submitter. Criteria: ACMG Guidelines, 2015. Collection method: clinical testing. Allele origin: germline. Affected: yes. Observed: 4 variant alleles.

Labcorp Genetics (formerly Invitae), Labcorp
Classification: Likely pathogenic. Last evaluated: 2023-07-21. Review status: criteria provided, single submitter. Criteria: Invitae Variant Classification Sherloc (09022015). Collection method: clinical testing. Allele origin: germline.
Comment: This sequence change affects a donor splice site in intron 8 of the ARSG gene. It is expected to disrupt RNA splicing. Variants that disrupt the donor or acceptor splice site typically lead to a loss of protein function (PMID: 16199547), and loss-of-function variants in ARSG are known to be pathogenic (PMID: 26975023, 34223797). This variant is present in population databases (no rsID available, gnomAD 0.002%). This variant has not been reported in the literature in individuals affected with ARSG-related conditions. ClinVar contains an entry for this variant (Variation ID: 936776). Algorithms developed to predict the effect of sequence changes on RNA splicing suggest that this variant may disrupt the consensus splice site. In summary, the currently available evidence indicates that the variant is pathogenic, but additional data are needed to prove that conclusively. Therefore, this variant has been classified as Likely Pathogenic.

Literature cited by the submitters: PubMed 16199547 (cited by Labcorp Genetics (formerly Invitae), Labcorp); PubMed 26975023 (cited by Labcorp Genetics (formerly Invitae), Labcorp); PubMed 34223797 (cited by Labcorp Genetics (formerly Invitae), Labcorp).